The following is an entry in ClinVar:

NM_001164508.2(NEB):c.3775-6T>C

Gene: NEB (nebulin; minus strand). Cytogenetic location: 2q23.3.
Variant type: single nucleotide variant.
Coding change: c.3775-6T>C on transcript NM_001164508.2 (MANE Select); 6 bases into the intron before coding-DNA position 3775, T replaced by C.
Molecular consequence: intron variant.
Genome position (GRCh38, 1-based): chr2:151,675,397, A>G on the plus strand (T>C on the coding strand, the complement: NEB is on the minus strand). VCF-style: chr2-151675397-A-G. GRCh37 (hg19) VCF-style: chr2-152531911-A-G.
Other names: p.?; c.3775-6T>C (NM_004543.5, NM_001164507.2, NM_001271208.2).
Identifiers: ClinVar variation 129742 (VCV000129742.23), dbSNP rs80232472, ClinGen allele CA153987.

ClinVar aggregate classification (germline): Benign. Review status: criteria provided, multiple submitters, no conflicts (2 of 4 stars). 8 submissions from 8 submitters: Benign (6). 2 of the submissions do not count toward it. Last evaluated 2026-02-04.

Conditions:
Nemaline myopathy 2 (NEM2). Also called: Nemaline myopathy 2, autosomal recessive. Identifiers: MedGen C1850569, MONDO:0009725, OMIM 256030.

Allele frequency attached by ClinVar (database versions not stated): gnomAD exomes 0.00111 and 0.00268; ExAC 0.00603; gnomAD 0.01136 and 0.01222; ESP Exome Variant Server 0.01192; TOPMed 0.01302; 1000 Genomes Project 0.01498; 1000 Genomes Project 30x 0.01577.
gnomAD v4.1: 3,316 of 1,530,948 alleles (0.22%); highest among the groups gnomAD compares: African/African-American, 4%; 69 homozygotes.

Submissions (8):

Labcorp Genetics (formerly Invitae), Labcorp
Classification: Benign for Nemaline myopathy 2. Last evaluated: 2026-02-04. Review status: criteria provided, single submitter. Criteria: Invitae Variant Classification Sherloc (09022015). Collection method: clinical testing. Allele origin: germline.

Women's Health and Genetics/Laboratory Corporation of America, LabCorp
Classification: Benign. Last evaluated: 2023-03-20. Review status: criteria provided, single submitter. Criteria: LabCorp Variant Classification Summary - May 2015. Collection method: clinical testing. Allele origin: germline.
Comment: Variant summary: NEB c.3775-6T>C alters a non-conserved nucleotide located close to a canonical splice site and therefore could affect mRNA splicing, leading to a significantly altered protein sequence, however one in silico tool predict no impact on normal splicing. The variant allele was found at a frequency of 0.011 in 151028 control chromosomes, predominantly within the African or African-American subpopulation at a frequency of 0.038 in the gnomAD database (v3.1.2 genomes dataset), including 34 homozygotes. The observed variant frequency within African or African-American control individuals in the gnomAD database is approximately 10-fold of the estimated maximal expected allele frequency for a pathogenic variant in NEB causing Nemaline Myopathy 2 phenotype (0.0035), strongly suggesting that the variant is a benign polymorphism found primarily in populations of African or African-American origin. To our knowledge, no occurrence of c.3775-6T>C in individuals affected with Nemaline Myopathy 2 and no experimental evidence demonstrating its impact on protein function have been reported. Five clinical diagnostic laboratories have submitted clinical-significance assessments for this variant to ClinVar after 2014, and all classified the variant as benign. Based on the evidence outlined above, the variant was classified as benign.

Mayo Clinic Laboratories, Mayo Clinic
Classification: Benign. Last evaluated: 2018-07-10. Review status: criteria provided, single submitter. Criteria: ACMG Guidelines, 2015. Collection method: clinical testing. Allele origin: germline. Observed: 6 variant alleles.

Illumina Laboratory Services, Illumina
Classification: Benign for Nemaline myopathy 2. Last evaluated: 2018-01-13. Review status: criteria provided, single submitter. Criteria: ICSL Variant Classification Criteria 13 December 2019. Collection method: clinical testing. Allele origin: germline.
Comment: This variant was observed in the ICSL laboratory as part of a predisposition screen in an ostensibly healthy population. It had not been previously curated by ICSL or reported in the Human Gene Mutation Database (HGMD: prior to June 1st, 2018), and was therefore a candidate for classification through an automated scoring system. Utilizing variant allele frequency, disease prevalence and penetrance estimates, and inheritance mode, an automated score was calculated to assess if this variant is too frequent to cause the disease. Based on the score and internal cut-off values, a variant classified as benign is not then subjected to further curation. The score for this variant resulted in a classification of benign for this disease.

Athena Diagnostics
Classification: Benign. Last evaluated: 2017-05-25. Review status: criteria provided, single submitter. Criteria: Athena Diagnostics Criteria. Collection method: clinical testing. Allele origin: germline.

GeneDx
Classification: Benign. Last evaluated: 2016-04-22. Review status: criteria provided, single submitter. Criteria: GeneDx Variant Classification (06012015). Collection method: clinical testing. Allele origin: germline. Affected: yes.
Comment: This variant is considered likely benign or benign based on one or more of the following criteria: it is a conservative change, it occurs at a poorly conserved position in the protein, it is predicted to be benign by multiple in silico algorithms, and/or has population frequency not consistent with disease.

Natera, Inc.
Classification: Benign for Nemaline myopathy type 2. Last evaluated: 2020-09-16. Review status: no assertion criteria provided. Collection method: clinical testing. Allele origin: germline. Not counted in ClinVar's aggregate classification.

Genetic Services Laboratory, University of Chicago
Classification: Likely benign for AllHighlyPenetrant. Review status: no assertion criteria provided. Collection method: clinical testing. Allele origin: germline. Inheritance: Autosomal recessive inheritance. Not counted in ClinVar's aggregate classification.
Comment: Likely benign based on allele frequency in 1000 Genomes Project or ESP global frequency and its presence in a patient with a rare or unrelated disease phenotype. NOT Sanger confirmed.